The following is an entry in ClinVar:

ClinVar aggregate classification (germline): Uncertain significance (1 of 4 stars; one submission).

Conditions:
Cardiovascular phenotype. Identifiers: MedGen CN230736.

Allele frequency attached by ClinVar (database versions not stated): gnomAD exomes 0.00002.
gnomAD v4.1: 10 of 1,614,148 alleles (0.00062%); highest among the groups gnomAD compares: East Asian, 0.022%; no homozygotes.

Submission:

Ambry Genetics
Classification: Uncertain significance for Cardiovascular phenotype. Last evaluated: 2021-08-23. Review status: criteria provided, single submitter. Criteria: Ambry Variant Classification Scheme 2023. Collection method: clinical testing. Allele origin: germline.
Comment: The p.E3381K variant (also known as c.10141G>A), located in coding exon 14 of the ALMS1 gene, results from a G to A substitution at nucleotide position 10141. The glutamic acid at codon 3381 is replaced by lysine, an amino acid with similar properties. This amino acid position is well conserved in available vertebrate species. In addition, this alteration is predicted to be tolerated by in silico analysis. Since supporting evidence is limited at this time, the clinical significance of this alteration remains unclear.

NM_001378454.1(ALMS1):c.10138G>A (p.Glu3380Lys)

Gene: ALMS1 (ALMS1 centrosome and basal body associated protein; plus strand). Cytogenetic location: 2p13.1.
Variant type: single nucleotide variant.
Coding change: c.10138G>A on transcript NM_001378454.1 (MANE Select); coding-DNA position 10138, G replaced by A.
Protein change: p.Glu3380Lys; replaces glutamic acid 3380 with lysine.
Molecular consequence: missense variant.
Genome position (GRCh38, 1-based): chr2:73,557,279, G>A. VCF-style: chr2-73557279-G-A. GRCh37 (hg19) VCF-style: chr2-73784406-G-A.
Other names: c.10141G>A, p.Glu3381Lys (NM_015120.4); short protein forms E3380K, E3381K.
Identifiers: ClinVar variation 1737741 (VCV001737741.2), dbSNP rs1674566628, ClinGen allele CA347276509.